The following is an entry in ClinVar:

NM_000430.4(PAFAH1B1):c.190A>G (p.Lys64Glu)

Gene: PAFAH1B1 (platelet activating factor acetylhydrolase 1b regulatory subunit 1; plus strand). Cytogenetic location: 17p13.3.
Variant type: single nucleotide variant.
Coding change: c.190A>G on transcript NM_000430.4 (MANE Select); coding-DNA position 190, A replaced by G.
Protein change: p.Lys64Glu; replaces lysine 64 with glutamic acid.
Molecular consequence: missense variant.
Genome position (GRCh38, 1-based): chr17:2,666,088, A>G. VCF-style: chr17-2666088-A-G. GRCh37 (hg19) VCF-style: chr17-2569382-A-G.
Other names: short protein forms K64E.
Identifiers: ClinVar variation 4733083 (VCV004733083.1).

ClinVar aggregate classification (germline): Uncertain significance (1 of 4 stars; one submission).

Submission:

Labcorp Genetics (formerly Invitae), Labcorp
Classification: Uncertain significance. Last evaluated: 2025-12-13. Review status: criteria provided, single submitter. Criteria: Invitae Variant Classification Sherloc (09022015). Collection method: clinical testing. Allele origin: germline.
Comment: This sequence change replaces lysine, which is basic and polar, with glutamic acid, which is acidic and polar, at codon 64 of the PAFAH1B1 protein (p.Lys64Glu). This variant is not present in population databases (gnomAD no frequency). This variant has not been reported in the literature in individuals affected with PAFAH1B1-related conditions. An algorithm developed to predict the effect of missense changes on protein structure and function (PolyPhen-2) suggests that this variant is likely to be disruptive. In summary, the available evidence is currently insufficient to determine the role of this variant in disease. Therefore, it has been classified as a Variant of Uncertain Significance.